The following is an entry in ClinVar:

ClinVar aggregate classification (germline): Uncertain significance (1 of 4 stars; one submission).

Submission:

GeneDx
Classification: Uncertain significance. Last evaluated: 2022-05-27. Review status: criteria provided, single submitter. Criteria: GeneDx Variant Classification Process June 2021. Collection method: clinical testing. Allele origin: germline. Affected: yes.
Comment: Not observed at significant frequency in large population cohorts (gnomAD); In silico analysis supports that this missense variant does not alter protein structure/function; Has not been previously published as pathogenic or benign to our knowledge

NM_015100.4(POGZ):c.3604G>C (p.Asp1202His)

Gene: POGZ (pogo transposable element derived with ZNF domain; minus strand). Cytogenetic location: 1q21.3.
Variant type: single nucleotide variant.
Coding change: c.3604G>C on transcript NM_015100.4 (MANE Select); coding-DNA position 3604, G replaced by C.
Protein change: p.Asp1202His; replaces aspartic acid 1202 with histidine.
Molecular consequence: missense variant.
Genome position (GRCh38, 1-based): chr1:151,405,431, C>G on the plus strand (G>C on the coding strand, the complement: POGZ is on the minus strand). VCF-style: chr1-151405431-C-G. GRCh37 (hg19) VCF-style: chr1-151377907-C-G.
Other names: c.3577G>C, p.Asp1193His (NM_001194937.2); c.3418G>C, p.Asp1140His (NM_001194938.2); c.3625G>C, p.Asp1209His (NM_001410860.1); c.3319G>C, p.Asp1107His (NM_145796.4); c.3445G>C, p.Asp1149His (NM_207171.2); short protein forms D1107H, D1140H, D1149H, D1193H, D1202H, D1209H.
Identifiers: ClinVar variation 1801147 (VCV001801147.1), dbSNP rs2529199146, ClinGen allele CA341941478.